The following is an entry in ClinVar:

NM_000372.5(TYR):c.896G>A (p.Arg299His)

Gene: TYR (tyrosinase; plus strand). Cytogenetic location: 11q14.3.
Variant type: single nucleotide variant.
Coding change: c.896G>A on transcript NM_000372.5 (MANE Select); coding-DNA position 896, G replaced by A.
Protein change: p.Arg299His; replaces arginine 299 with histidine.
Molecular consequence: missense variant.
Genome position (GRCh38, 1-based): chr11:89,191,278, G>A. VCF-style: chr11-89191278-G-A. GRCh37 (hg19) VCF-style: chr11-88924446-G-A.
Other names: short protein forms R299H.
Identifiers: ClinVar variation 3796 (VCV000003796.47), dbSNP rs61754375, ClinGen allele CA227600.

ClinVar aggregate classification (germline): Pathogenic. Review status: criteria provided, multiple submitters, no conflicts (2 of 4 stars). 20 submissions from 20 submitters: Pathogenic (17). 3 of the submissions do not count toward it. Last evaluated 2026-05-21.

Conditions:
TYR-related disorder. Also called: TYR-related condition.
Oculocutaneous albinism type 1A (OCA1A). Also called: Albinism, oculocutaneous, type IA. Identifiers: Orphanet 352731, Orphanet 79431, MedGen C4551504, MONDO:0008745, OMIM 203100. Disease mechanism: loss of function.
Oculocutaneous albinism type 1B (OCA1B). Also called: ALBINISM, OCULOCUTANEOUS, TYPE IB; ALBINISM, YELLOW MUTANT TYPE; YELLOW ALBINISM. Identifiers: Orphanet 352731, Orphanet 352737, Orphanet 79434, MedGen C1847024, MONDO:0011749, OMIM 606952.
SKIN/HAIR/EYE PIGMENTATION 3, LIGHT/DARK SKIN (SHEP3). Also called: SKIN/HAIR/EYE PIGMENTATION, VARIATION IN, 3; EYE COLOR 1; EYE COLOR, GREEN/BLUE; SKIN/HAIR/EYE PIGMENTATION 3, BLUE/GREEN EYE COLOR; SKIN/HAIR/EYE PIGMENTATION 3, FRECKLING. Identifiers: MedGen C2677190, OMIM 601800.
Nonsyndromic Oculocutaneous Albinism.
Oculocutaneous albinism. Identifiers: Orphanet 55, MedGen C0078918, MONDO:0018910.
Oculocutaneous albinism type 1. Also called: Albinism 1; ALBINISM I. Identifiers: Orphanet 352731, MedGen C0268494, MONDO:0018135. Disease mechanism: loss of function.

Allele frequency attached by ClinVar (database versions not stated): gnomAD 0.00006 and 0.00007; ExAC 0.00007; gnomAD exomes 0.00007 and 0.00008; TOPMed 0.00008; 1000 Genomes Project 0.00020; 1000 Genomes Project 30x 0.00031.

Submissions (20):

PreventionGenetics, part of Exact Sciences
Classification: Pathogenic for TYR-related condition. Last evaluated: 2026-05-21. Review status: criteria provided, single submitter. Criteria: ACMG Guidelines, 2015. Collection method: clinical testing. Allele origin: germline.
Comment: The TYR c.896G>A variant is predicted to result in the amino acid substitution p.Arg299His. This variant has been reported in the homozygous and compound heterozygous states in multiple individuals with oculocutaneous albinism (see for examples: Tripathi et al. 1992. PubMed ID: 1642278; Wei et al. 2010. PubMed ID: 19865097; Wang et al. 2015. PubMed ID: 25919014). Additionally, alternate substitutions of this same amino acid residue (p.Arg299Ser and p.Arg299Cys) have been also been reported in individuals with oculocutaneous albinism (Spritz et al. 1997. PubMed ID: 9259202; Grønskov et al. 2009. PubMed ID: 19060277). This variant is present in 0.030% of alleles in individuals of East Asian descent in gnomAD. This variant is interpreted as pathogenic.

Labcorp Genetics (formerly Invitae), Labcorp
Classification: Pathogenic. Last evaluated: 2025-11-03. Review status: criteria provided, single submitter. Criteria: Invitae Variant Classification Sherloc (09022015). Collection method: clinical testing. Allele origin: germline.
Comment: This sequence change replaces arginine, which is basic and polar, with histidine, which is basic and polar, at codon 299 of the TYR protein (p.Arg299His). This variant is present in population databases (rs61754375, gnomAD 0.03%). This missense change has been observed in individual(s) with oculocutaneous albinism (PMID: 1642278, 28112372, 28266639). In at least one individual the data is consistent with being in trans (on the opposite chromosome) from a pathogenic variant. It has also been observed to segregate with disease in related individuals. ClinVar contains an entry for this variant (Variation ID: 3796). Invitae Evidence Modeling of protein sequence and biophysical properties (such as structural, functional, and spatial information, amino acid conservation, physicochemical variation, residue mobility, and thermodynamic stability) indicates that this missense variant is expected to disrupt TYR protein function with a positive predictive value of 95%. For these reasons, this variant has been classified as Pathogenic.

Department of Clinical Genetics, Copenhagen University Hospital, Rigshospitalet
Classification: Pathogenic for Oculocutaneous albinism type 1. Last evaluated: 2025-05-23. Review status: criteria provided, single submitter. Criteria: ACMG Guidelines, 2015. Collection method: clinical testing. Allele origin: germline.
Comment: The following ACMG criteria has been used: PS4, PM5, PM3_str, PM2_sup, PP3

CeGaT Center for Human Genetics Tuebingen
Classification: Pathogenic. Last evaluated: 2025-02-01. Review status: criteria provided, single submitter. Criteria: CeGaT Center For Human Genetics Tuebingen Variant Classification Criteria Version 2. Collection method: clinical testing. Allele origin: germline. Affected: yes. Observed: 1 variant allele.
Comment: TYR: PM3:Very Strong, PM1, PM2, PM5, PP4

Blueprint Genetics
Classification: Pathogenic for TYR-related disorders. Last evaluated: 2024-07-03. Review status: criteria provided, single submitter. Criteria: ACMG Guidelines, 2015. Collection method: clinical testing. Allele origin: germline. Affected: yes. Observed: 5 variant alleles.

Fulgent Genetics
Classification: Pathogenic for Oculocutaneous albinism type 1A; SKIN/HAIR/EYE PIGMENTATION 3, LIGHT/DARK SKIN; Oculocutaneous albinism type 1B. Last evaluated: 2024-05-24. Review status: criteria provided, single submitter. Criteria: ACMG Guidelines, 2015. Collection method: clinical testing. Allele origin: germline.

Baylor Genetics
Classification: Pathogenic for SKIN/HAIR/EYE PIGMENTATION 3, LIGHT/DARK SKIN. Last evaluated: 2024-03-28. Review status: criteria provided, single submitter. Criteria: ACMG Guidelines, 2015. Collection method: clinical testing. Allele origin: unknown.

Women's Health and Genetics/Laboratory Corporation of America, LabCorp
Classification: Pathogenic for Oculocutaneous albinism. Last evaluated: 2023-12-08. Review status: criteria provided, single submitter. Criteria: LabCorp Variant Classification Summary - May 2015. Collection method: clinical testing. Allele origin: germline.
Comment: Variant summary: TYR c.896G>A (p.Arg299His) results in a non-conservative amino acid change located in the Tyrosinase copper-binding domain (IPR002227) of the encoded protein sequence. Five of five in-silico tools predict a damaging effect of the variant on protein function. The variant allele was found at a frequency of 6.8e-05 in 251208 control chromosomes (gnomAD). This frequency is not significantly higher than estimated for a pathogenic variant in TYR causing Oculocutaneous Albinism (6.8e-05 vs 0.0056), allowing no conclusion about variant significance. c.896G>A has been reported in the literature in multiple bi-alleleic individuals affected with Oculocutaneous Albinism (example: Lin_2014). Other Variants affecting this residue (p.Arg299Ser, p.Arg299Cys) have been classified pathogenic in ClinVar. These data indicate that the variant is very likely to be associated with disease. The following publication has been ascertained in the context of this evaluation (PMID: 24721949). Eight submitters have cited clinical-significance assessments for this variant to ClinVar after 2014. All submitters classified the variant as pathogenic/likely pathogenic. Based on the evidence outlined above, the variant was classified as pathogenic.

HudsonAlpha Institute for Biotechnology
Classification: Pathogenic for Oculocutaneous albinism type 1A; Oculocutaneous albinism type 1B. Last evaluated: 2023-10-31. Review status: criteria provided, single submitter. Criteria: ACMG Guidelines, 2015. Collection method: research. Allele origin: unknown. Affected: yes. Observed: 1 variant allele. Study: UCC-HudsonAlpha.

GeneDx
Classification: Pathogenic. Last evaluated: 2023-09-24. Review status: criteria provided, single submitter. Criteria: GeneDx Variant Classification Process June 2021. Collection method: clinical testing. Allele origin: germline.
Comment: Reported as one of the most common pathogenic variants in the TYR gene among individuals of Chinese background (PMID: 19865097, 34838614); In silico analysis supports that this missense variant has a deleterious effect on protein structure/function; This variant is associated with the following publications: (PMID: 26165494, 20447099, 32552135, 1642278, 25919014, 19865097, 22294196, 28266639, 30833958, 31199599, 30558096, 31077556, 32966289, 38145795, 36755623, 37217489, 37471664, 33124154, 31589614, 35923705, 28112372, 34838614)

Center for Personalized Medicine, Children's Hospital Los Angeles
Classification: Pathogenic. Last evaluated: 2022-12-21. Review status: criteria provided, single submitter. Criteria: ACMG Guidelines, 2015. Collection method: clinical testing. Allele origin: unknown. Affected: yes.

Genome-Nilou Lab
Classification: Pathogenic for Oculocutaneous albinism type 1A. Last evaluated: 2021-07-22. Review status: criteria provided, single submitter. Criteria: ACMG Guidelines, 2015. Collection method: clinical testing. Allele origin: germline. Affected: no.

Revvity Omics, Revvity
Classification: Pathogenic. Last evaluated: 2019-04-18. Review status: criteria provided, single submitter. Criteria: ACMG Guidelines, 2015. Collection method: clinical testing. Allele origin: germline.

Genetic Services Laboratory, University of Chicago
Classification: Pathogenic for Albinism, oculocutaneous, type IA. Last evaluated: 2017-01-17. Review status: criteria provided, single submitter. Criteria: ACMG Guidelines, 2015. Collection method: clinical testing. Allele origin: germline. Affected: yes.

Eurofins Ntd Llc (ga)
Classification: Pathogenic. Last evaluated: 2015-11-09. Review status: criteria provided, single submitter. Criteria: EGL Classification Definitions 2015. Collection method: clinical testing. Allele origin: germline. Observed: 1 variant allele, 1 homozygote.

Juno Genomics, Hangzhou Juno Genomics, Inc
Classification: Pathogenic for Oculocutaneous albinism type 1A; Oculocutaneous albinism type 1B. Review status: criteria provided, single submitter. Criteria: ACMG Guidelines, 2015. Collection method: clinical testing. Allele origin: germline. Affected: yes.
Comment: Absent from controls (or at extremely low frequency if recessive) in Genome Aggregation Database.;Multiple lines of computational evidence support a deleterious effect on the gene or gene product.;For recessive disorders, detected in trans with a pathogenic variant.;Patient's phenotype or family history is highly specific for a disease with a single genetic etiology.;Novel missense change at an amino acid residue where a different missense change determined to be pathogenic has been seen before.

Laboratoire de Génétique Moléculaire, CHU Bordeaux
Classification: Pathogenic for Oculocutaneous albinism type 1A. Review status: criteria provided, single submitter. Criteria: ACMG Guidelines, 2015. Collection method: clinical testing, in vitro. Allele origin: germline, not applicable. Affected: yes. Observed: 1 variant allele. Functional consequence: decreased enzyme activity.

University of Washington Center for Mendelian Genomics, University of Washington
Classification: Likely pathogenic for Nonsyndromic Oculocutaneous Albinism. Last evaluated: 2017-03-07. Review status: no assertion criteria provided. Collection method: research. Allele origin: unknown. Affected: yes. Observed: 2 homozygotes. Not counted in ClinVar's aggregate classification.

OMIM
Classification: Pathogenic for ALBINISM, OCULOCUTANEOUS, TYPE IA. Last evaluated: 1992-07-15. Review status: no assertion criteria provided. Collection method: literature only. Allele origin: germline. Not counted in ClinVar's aggregate classification.

Retina International
No classification provided. Review status: no classification provided. Collection method: not provided. Allele origin: unknown. Not counted in ClinVar's aggregate classification.

Literature cited by the submitters: PubMed 1642278 (cited by 4 submitters); PubMed 28112372 (cited by Labcorp Genetics (formerly Invitae), Labcorp and Department of Clinical Genetics, Copenhagen University Hospital, Rigshospitalet); PubMed 28266639 (cited by 3 submitters); PubMed 25919014 (cited by Department of Clinical Genetics, Copenhagen University Hospital, Rigshospitalet and Eurofins Ntd Llc (ga)); PubMed 24721949 (cited by Women's Health and Genetics/Laboratory Corporation of America, LabCorp); PubMed 19865097 (cited by Eurofins Ntd Llc (ga)).